The following is an entry in ClinVar:

NM_002336.3(LRP6):c.2953C>T (p.Arg985Ter)

Gene: LRP6 (LDL receptor related protein 6; minus strand). Cytogenetic location: 12p13.2.
Variant type: single nucleotide variant.
Coding change: c.2953C>T on transcript NM_002336.3 (MANE Select); coding-DNA position 2953, C replaced by T.
Protein change: p.Arg985Ter; replaces arginine 985 with a stop codon.
Molecular consequence: nonsense.
Genome position (GRCh38, 1-based): chr12:12,150,877, G>A on the plus strand (C>T on the coding strand, the complement: LRP6 is on the minus strand). VCF-style: chr12-12150877-G-A. GRCh37 (hg19) VCF-style: chr12-12303811-G-A.
Other names: short protein forms R985*.
Identifiers: ClinVar variation 280425 (VCV000280425.2), dbSNP rs745688776, ClinGen allele CA10603186.
Genomic context (GRCh38, chr12:12,150,877, plus strand): 5'-GAACCAAGCTCTCAATTACCTGGCTGCCATCTTCTTGTGCCTTTCGGATCATGTTTTGTC[G>A]TGAGTCAATCCAATAGAGTTGCTTGTCCAGTGGGTCATAGTCAATGGCCCGGACATTCCG-3'

ClinVar aggregate classification (germline): Pathogenic (1 of 4 stars; one submission).

Allele frequency attached by ClinVar (database versions not stated): TOPMed 0.00002 and 0.00001; gnomAD 0.00002.
gnomAD v4.1: 4 of 1,613,928 alleles (0.00025%); highest among the groups gnomAD compares: African/African-American, 0.004%; no homozygotes.

Submission:

GeneDx
Classification: Pathogenic. Last evaluated: 2016-04-11. Review status: criteria provided, single submitter. Criteria: GeneDx Variant Classification (06012015). Collection method: clinical testing. Allele origin: germline. Affected: yes.
Comment: The R985X pathogenic variant in the LRP6 gene has not been reported previously as a pathogenicvariant nor as a benign variant, to our knowledge. This variant is predicted to cause loss of normalprotein function either through protein truncation or nonsense-mediated mRNA decay. The R985Xvariant was not observed in approximately 6500 individuals of European and African Americanancestry in the NHLBI Exome Sequencing Project, indicating it is not a common benign variant inthese populations. We interpret R985X as a pathogenic variant.